The following is an entry in ClinVar:

NM_003722.5(TP63):c.1813C>T (p.Arg605Trp)

Gene: TP63 (tumor protein p63; plus strand). Cytogenetic location: 3q28.
Variant type: single nucleotide variant.
Coding change: c.1813C>T on transcript NM_003722.5 (MANE Select); coding-DNA position 1813, C replaced by T.
Protein change: p.Arg605Trp; replaces arginine 605 with tryptophan.
Molecular consequence: missense variant. On other transcripts: 3 prime UTR variant (6).
Genome position (GRCh38, 1-based): chr3:189,894,272, C>T. VCF-style: chr3-189894272-C-T. GRCh37 (hg19) VCF-style: chr3-189612061-C-T.
Other names: c.*51C>T (NM_001114978.2, NM_001114981.2); c.1531C>T, p.Arg511Trp (NM_001114980.2); c.*41C>T (NM_001329144.2, NM_001329145.2, NM_001329149.2 and 1 more transcripts); c.1276C>T, p.Arg426Trp (NM_001329146.2); c.1801C>T, p.Arg601Trp (NM_001329148.2); c.1807C>T, p.Arg603Trp (NM_001329964.2); short protein forms R605W, R511W, R603W, R426W, R601W.
Identifiers: ClinVar variation 2852946 (VCV002852946.2), dbSNP rs777373892, ClinGen allele CA89713267.

ClinVar aggregate classification (germline): Uncertain significance (1 of 4 stars; one submission).

Conditions:
TP63-Related Spectrum Disorders.

Allele frequency attached by ClinVar (database versions not stated): gnomAD 0.00001.
gnomAD v4.1: 7 of 1,613,940 alleles (0.00043%); highest among the groups gnomAD compares: South Asian, 0.0011%; no homozygotes.

Submission:

Labcorp Genetics (formerly Invitae), Labcorp
Classification: Uncertain significance. Last evaluated: 2024-08-12. Review status: criteria provided, single submitter. Criteria: Invitae Variant Classification Sherloc (09022015). Collection method: clinical testing. Allele origin: germline.
Comment: This sequence change replaces arginine, which is basic and polar, with tryptophan, which is neutral and slightly polar, at codon 605 of the TP63 protein (p.Arg605Trp). This variant is not present in population databases (gnomAD no frequency). This variant has not been reported in the literature in individuals affected with TP63-related conditions. Advanced modeling of protein sequence and biophysical properties (such as structural, functional, and spatial information, amino acid conservation, physicochemical variation, residue mobility, and thermodynamic stability) has been performed at Invitae for this missense variant, however the output from this modeling did not meet the statistical confidence thresholds required to predict the impact of this variant on TP63 protein function. In summary, the available evidence is currently insufficient to determine the role of this variant in disease. Therefore, it has been classified as a Variant of Uncertain Significance.